The following is an entry in ClinVar:

NM_000211.5(ITGB2):c.1492C>T (p.Arg498Trp)

Gene: ITGB2 (integrin subunit beta 2; minus strand). Cytogenetic location: 21q22.3.
Variant type: single nucleotide variant.
Coding change: c.1492C>T on transcript NM_000211.5 (MANE Select); coding-DNA position 1492, C replaced by T.
Protein change: p.Arg498Trp; replaces arginine 498 with tryptophan.
Molecular consequence: missense variant.
Genome position (GRCh38, 1-based): chr21:44,890,143, G>A on the plus strand (C>T on the coding strand, the complement: ITGB2 is on the minus strand). VCF-style: chr21-44890143-G-A. GRCh37 (hg19) VCF-style: chr21-46310058-G-A.
Other names: c.1492C>T, p.Arg498Trp (NM_001127491.3); c.1285C>T, p.Arg429Trp (NM_001303238.2); short protein forms R429W, R498W.
Identifiers: ClinVar variation 897848 (VCV000897848.9), dbSNP rs372695770, ClinGen allele CA10062800.
Genomic context (GRCh38, chr21:44,890,143, plus strand): 5'-GGCACTGCCCGCAGACACAGTCCCCCAGCCCTGAGCAGATGATGGAGTTGTTGTCCTTCC[G>A]GCAGCTTCCTTCCAGCTCCTGGCTGCTCCGGCCCTGTGTCTGGCACTCACAGTTTTTCCC-3'
Protein context (NP_000202.3, residues 488-508): RSSQELEGSC[Arg498Trp]KDNNSIICSG

ClinVar aggregate classification (germline): Uncertain significance. Review status: criteria provided, multiple submitters, no conflicts (2 of 4 stars). 2 submissions from 2 submitters: Uncertain significance (2). Last evaluated 2022-07-03.

Conditions:
Leukocyte adhesion deficiency 1 (LAD1). Also called: LAD 1; Lymphocyte function-associated antigen 1 immunodeficiency; LFA 1 immunodeficiency; LEUKOCYTE ADHESION DEFICIENCY, TYPE I. Identifiers: Orphanet 2968, Orphanet 99842, MedGen C0398738, MONDO:0007293, OMIM 116920.

Allele frequency attached by ClinVar (database versions not stated): TOPMed 0.00001.

Submissions (2):

Labcorp Genetics (formerly Invitae), Labcorp
Classification: Uncertain significance for Leukocyte adhesion deficiency 1. Last evaluated: 2022-07-03. Review status: criteria provided, single submitter. Criteria: Invitae Variant Classification Sherloc (09022015). Collection method: clinical testing. Allele origin: germline.
Comment: This sequence change replaces arginine, which is basic and polar, with tryptophan, which is neutral and slightly polar, at codon 498 of the ITGB2 protein (p.Arg498Trp). This variant is present in population databases (rs372695770, gnomAD 0.01%). This variant has not been reported in the literature in individuals affected with ITGB2-related conditions. ClinVar contains an entry for this variant (Variation ID: 897848). Algorithms developed to predict the effect of missense changes on protein structure and function (SIFT, PolyPhen-2, Align-GVGD) all suggest that this variant is likely to be disruptive. In summary, the available evidence is currently insufficient to determine the role of this variant in disease. Therefore, it has been classified as a Variant of Uncertain Significance.

Illumina Laboratory Services, Illumina
Classification: Uncertain significance for Leukocyte adhesion deficiency 1. Last evaluated: 2018-01-12. Review status: criteria provided, single submitter. Criteria: ICSL Variant Classification Criteria 13 December 2019. Collection method: clinical testing. Allele origin: germline.